The following is an entry in ClinVar:

ClinVar aggregate classification (germline): Uncertain significance (1 of 4 stars; one submission).

gnomAD v4.1: 1 of 1,555,236 alleles (0.000064%); highest among the groups gnomAD compares: Non-Finnish European, 0.000089%; no homozygotes.

Submission:

Labcorp Genetics (formerly Invitae), Labcorp
Classification: Uncertain significance. Last evaluated: 2024-12-10. Review status: criteria provided, single submitter. Criteria: Invitae Variant Classification Sherloc (09022015). Collection method: clinical testing. Allele origin: germline.
Comment: This sequence change falls in intron 12 of the CDH2 gene. It does not directly change the encoded amino acid sequence of the CDH2 protein. It affects a nucleotide within the consensus splice site. This variant is not present in population databases (gnomAD no frequency). This variant has not been reported in the literature in individuals affected with CDH2-related conditions. Variants that disrupt the consensus splice site are a relatively common cause of aberrant splicing (PMID: 17576681, 9536098). Algorithms developed to predict the effect of sequence changes on RNA splicing suggest that this variant is not likely to affect RNA splicing. In summary, the available evidence is currently insufficient to determine the role of this variant in disease. Therefore, it has been classified as a Variant of Uncertain Significance.

Literature cited by the submitters: PubMed 17576681; PubMed 9536098.

NM_001792.5(CDH2):c.1976-3T>A

Gene: CDH2 (cadherin 2; minus strand). Cytogenetic location: 18q12.1.
Variant type: single nucleotide variant.
Coding change: c.1976-3T>A on transcript NM_001792.5 (MANE Select); 3 bases into the intron before coding-DNA position 1976, T replaced by A.
Molecular consequence: intron variant.
Genome position (GRCh38, 1-based): chr18:27,985,236, A>T on the plus strand (T>A on the coding strand, the complement: CDH2 is on the minus strand). VCF-style: chr18-27985236-A-T. GRCh37 (hg19) VCF-style: chr18-25565200-A-T.
Other names: c.1883-3T>A (NM_001308176.2).
Identifiers: ClinVar variation 3621318 (VCV003621318.2).
Genomic context (GRCh38, chr18:27,985,236, plus strand): 5'-ACTTCATAGATACCAGCTTCAAGAAATTTTATCTTTAAATTAAGCTGAGCAAAATCACCT[A>T]TATGAAAAAGGAAAAACATAGTTTGATAGGTAATACTTAAAGCGATAAAAAAACACATAG-3'